The following is an entry in ClinVar:

NM_002103.5(GYS1):c.1170-68T>A

Gene: GYS1 (glycogen synthase 1; minus strand). Cytogenetic location: 19q13.33.
Variant type: single nucleotide variant.
Coding change: c.1170-68T>A on transcript NM_002103.5 (MANE Select); 68 bases into the intron before coding-DNA position 1170, T replaced by A.
Molecular consequence: intron variant.
Genome position (GRCh38, 1-based): chr19:48,978,225, A>T on the plus strand (T>A on the coding strand, the complement: GYS1 is on the minus strand). VCF-style: chr19-48978225-A-T. GRCh37 (hg19) VCF-style: chr19-49481482-A-T.
Other names: c.978-68T>A (NM_001161587.2).
Identifiers: ClinVar variation 676310 (VCV000676310.2), dbSNP rs114013201, ClinGen allele CA309391758.

ClinVar aggregate classification (germline): Benign. Review status: criteria provided, multiple submitters, no conflicts (2 of 4 stars). 2 submissions from 2 submitters: Benign (2). Last evaluated 2018-06-16.

Allele frequency attached by ClinVar (database versions not stated): gnomAD exomes 0.00257; gnomAD 0.02846 and 0.03057; ESP Exome Variant Server 0.03000; TOPMed 0.03232.
gnomAD v4.1: 7,463 of 1,327,576 alleles (0.56%); highest among the groups gnomAD compares: African/African-American, 9.6%; 349 homozygotes.

Submissions (2):

GeneDx
Classification: Benign. Last evaluated: 2018-06-16. Review status: criteria provided, single submitter. Criteria: GeneDx Variant Classification (06012015). Collection method: clinical testing. Allele origin: germline. Affected: yes.
Comment: This variant is considered likely benign or benign based on one or more of the following criteria: it is a conservative change, it occurs at a poorly conserved position in the protein, it is predicted to be benign by multiple in silico algorithms, and/or has population frequency not consistent with disease.

Breakthrough Genomics
Classification: Benign. Review status: criteria provided, single submitter. Criteria: ACMG Guidelines, 2015. Collection method: not provided. Allele origin: germline. Inheritance: Autosomal recessive inheritance. Affected: yes.